The following is an entry in ClinVar:

ClinVar aggregate classification (germline): Conflicting classifications of pathogenicity. Review status: criteria provided, conflicting classifications (1 of 4 stars). 7 submissions from 7 submitters: Uncertain significance (5); Likely benign (2). Last evaluated 2026-06-15.

Conditions:
Cardiomyopathy, familial hypertrophic 27. Identifiers: MedGen C4748014, MONDO:0054838, OMIM 618052.
Cardiovascular phenotype. Identifiers: MedGen CN230736.
ALPK3-related disorder. Also called: ALPK3-related condition.

Allele frequency attached by ClinVar (database versions not stated): ExAC 0.00007; gnomAD exomes 0.00008 and 0.00024; gnomAD 0.00013 and 0.00014; TOPMed 0.00017; ESP Exome Variant Server 0.00023.
gnomAD v4.1: 377 of 1,613,930 alleles (0.023%); highest among the groups gnomAD compares: Non-Finnish European, 0.03%; no homozygotes.

Submissions (7):

PreventionGenetics, part of Exact Sciences
Classification: Uncertain significance for ALPK3-related condition. Last evaluated: 2026-06-15. Review status: criteria provided, single submitter. Criteria: ACMG Guidelines, 2015. Collection method: clinical testing. Allele origin: germline.
Comment: The ALPK3 c.907A>G variant is predicted to result in the amino acid substitution p.Thr303Ala. To our knowledge, this variant has not been reported in the literature. This variant is reported in 0.019% of alleles in individuals of European (Non-Finnish) descent in gnomAD. At this time, the clinical significance of this variant is uncertain due to the absence of conclusive functional and genetic evidence.

Molecular Diagnostic Laboratory for Inherited Cardiovascular Disease, Montreal Heart Institute
Classification: Likely benign. Last evaluated: 2026-03-27. Review status: criteria provided, single submitter. Criteria: ACMG Guidelines, 2015. Collection method: clinical testing. Allele origin: germline. Affected: no.
Comment: BP1, BP4

Labcorp Genetics (formerly Invitae), Labcorp
Classification: Uncertain significance. Last evaluated: 2026-02-04. Review status: criteria provided, single submitter. Criteria: Invitae Variant Classification Sherloc (09022015). Collection method: clinical testing. Allele origin: germline.
Comment: This sequence change replaces threonine, which is neutral and polar, with alanine, which is neutral and non-polar, at codon 303 of the ALPK3 protein (p.Thr303Ala). This variant is present in population databases (rs199645892, gnomAD 0.02%). This variant has not been reported in the literature in individuals affected with ALPK3-related conditions. ClinVar contains an entry for this variant (Variation ID: 432441). An algorithm developed to predict the effect of missense changes on protein structure and function (PolyPhen-2) suggests that this variant is likely to be disruptive. In summary, the available evidence is currently insufficient to determine the role of this variant in disease. Therefore, it has been classified as a Variant of Uncertain Significance.

Ambry Genetics
Classification: Uncertain significance for Cardiovascular phenotype. Last evaluated: 2025-11-13. Review status: criteria provided, single submitter. Criteria: Ambry Variant Classification Scheme 2023. Collection method: clinical testing. Allele origin: germline.

GeneDx
Classification: Uncertain significance. Last evaluated: 2024-06-10. Review status: criteria provided, single submitter. Criteria: GeneDx Variant Classification Process June 2021. Collection method: clinical testing. Allele origin: germline. Affected: yes.
Comment: Has not been previously published as pathogenic or benign to our knowledge; In silico analysis indicates that this missense variant does not alter protein structure/function

Blueprint Genetics
Classification: Likely benign. Last evaluated: 2023-10-03. Review status: criteria provided, single submitter. Criteria: ACMG Guidelines, 2015. Collection method: clinical testing. Allele origin: germline.

Victorian Clinical Genetics Services, Murdoch Childrens Research Institute
Classification: Uncertain significance for Cardiomyopathy, familial hypertrophic 27. Last evaluated: 2022-02-02. Review status: criteria provided, single submitter. Criteria: ACMG Guidelines, 2015. Collection method: clinical testing. Allele origin: germline. Inheritance: Autosomal recessive inheritance. Affected: yes.
Comment: Based on the classification scheme VCGS_Germline_v1.3.4, this variant is classified as VUS-3B. Following criteria are met: 0102 - Loss of function is a known mechanism of disease in this gene and is associated with familial hypertrophic cardiomyopathy 27 (MIM#618052). (I) 0106 - This gene is associated with autosomal recessive disease. (I) 0200 - Variant is predicted to result in a missense amino acid change from threonine to alanine. (I) 0251 - This variant is heterozygous. (I) 0304 - Variant is present in gnomAD <0.01 for a recessive condition (v2: 24 heterozygotes, 0 homozygotes). (SP) 0502 - Missense variant with conflicting in silico predictions and uninformative conservation. (I) 0600 - Variant is located in the annotated Ig-like 1 domain (UniProt). (I) 0705 - No comparable missense variants have previous evidence for pathogenicity. (I) 0809 - Previous evidence of pathogenicity for this variant is inconclusive. This variant has been classified once as a VUS by a clinical diagnostic laboratory (ClinVar). (I) 0905 - No published segregation evidence has been identified for this variant. (I) 1007 - No published functional evidence has been identified for this variant. (I) 1208 - Inheritance information for this variant is not currently available in this individual. (I) Legend: (SP) - Supporting pathogenic, (I) - Information, (SB) - Supporting benign

NM_020778.5(ALPK3):c.301A>G (p.Thr101Ala)

Gene: ALPK3 (alpha kinase 3; plus strand). Cytogenetic location: 15q25.3.
Variant type: single nucleotide variant.
Coding change: c.301A>G on transcript NM_020778.5 (MANE Select); coding-DNA position 301, A replaced by G.
Protein change: p.Thr101Ala; replaces threonine 101 with alanine.
Molecular consequence: missense variant.
Genome position (GRCh38, 1-based): chr15:84,827,602, A>G. VCF-style: chr15-84827602-A-G. GRCh37 (hg19) VCF-style: chr15-85370833-A-G.
Other names: short protein forms T303A, T101A.
Identifiers: ClinVar variation 432441 (VCV000432441.21), dbSNP rs199645892, ClinGen allele CA7708919.